The following is an entry in ClinVar:

NM_001077525.3(MTMR14):c.818A>G (p.Lys273Arg)

Gene: MTMR14 (myotubularin related protein 14; plus strand). Cytogenetic location: 3p25.3.
Variant type: single nucleotide variant.
Coding change: c.818A>G on transcript NM_001077525.3 (MANE Select); coding-DNA position 818, A replaced by G.
Protein change: p.Lys273Arg; replaces lysine 273 with arginine.
Molecular consequence: missense variant.
Genome position (GRCh38, 1-based): chr3:9,677,383, A>G. VCF-style: chr3-9677383-A-G. GRCh37 (hg19) VCF-style: chr3-9719067-A-G.
Other names: c.818A>G, p.Lys273Arg (NM_001077526.3, NM_022485.5); c.818A>G (NM_022485.4); short protein forms K273R.
Identifiers: ClinVar variation 1470458 (VCV001470458.7), dbSNP rs756436873, ClinGen allele CA2240462.

ClinVar aggregate classification (germline): Uncertain significance. Review status: criteria provided, multiple submitters, no conflicts (2 of 4 stars). 2 submissions from 2 submitters: Uncertain significance (2). Last evaluated 2022-10-13.

Allele frequency attached by ClinVar (database versions not stated): gnomAD exomes below 0.00001 and 0.00001; TOPMed 0.00001; ExAC 0.00002.
gnomAD v4.1: 2 of 1,613,558 alleles (0.00012%); highest among the groups gnomAD compares: African/African-American, 0.0027%; no homozygotes.

Submissions (2):

Labcorp Genetics (formerly Invitae), Labcorp
Classification: Uncertain significance. Last evaluated: 2022-10-13. Review status: criteria provided, single submitter. Criteria: Invitae Variant Classification Sherloc (09022015). Collection method: clinical testing. Allele origin: germline.
Comment: In summary, the available evidence is currently insufficient to determine the role of this variant in disease. Therefore, it has been classified as a Variant of Uncertain Significance. Advanced modeling of protein sequence and biophysical properties (such as structural, functional, and spatial information, amino acid conservation, physicochemical variation, residue mobility, and thermodynamic stability) performed at Invitae indicates that this missense variant is not expected to disrupt MTMR14 protein function. ClinVar contains an entry for this variant (Variation ID: 1470458). This variant has not been reported in the literature in individuals affected with MTMR14-related conditions. This variant is present in population databases (rs756436873, gnomAD 0.01%). This sequence change replaces lysine, which is basic and polar, with arginine, which is basic and polar, at codon 273 of the MTMR14 protein (p.Lys273Arg).

Ambry Genetics
Classification: Uncertain significance. Last evaluated: 2022-09-14. Review status: criteria provided, single submitter. Criteria: Ambry Variant Classification Scheme 2023. Collection method: clinical testing. Allele origin: germline.